The following is an entry in ClinVar:

ClinVar aggregate classification (germline): Uncertain significance (1 of 4 stars; one submission).

Allele frequency attached by ClinVar (database versions not stated): gnomAD 0.00001; TOPMed 0.00001; gnomAD exomes 0.00002.
gnomAD v4.1: 27 of 1,613,342 alleles (0.0017%); highest among the groups gnomAD compares: Non-Finnish European, 0.0022%; no homozygotes.

Submission:

Labcorp Genetics (formerly Invitae), Labcorp
Classification: Uncertain significance. Last evaluated: 2025-10-23. Review status: criteria provided, single submitter. Criteria: Invitae Variant Classification Sherloc (09022015). Collection method: clinical testing. Allele origin: germline.
Comment: This sequence change replaces glycine, which is neutral and non-polar, with glutamic acid, which is acidic and polar, at codon 146 of the DUOX2 protein (p.Gly146Glu). This variant is present in population databases (rs139328759, gnomAD 0.005%). This variant has not been reported in the literature in individuals affected with DUOX2-related conditions. ClinVar contains an entry for this variant (Variation ID: 2728429). Invitae Evidence Modeling of protein sequence and biophysical properties (such as structural, functional, and spatial information, amino acid conservation, physicochemical variation, residue mobility, and thermodynamic stability) indicates that this missense variant is not expected to disrupt DUOX2 protein function with a negative predictive value of 80%. In summary, the available evidence is currently insufficient to determine the role of this variant in disease. Therefore, it has been classified as a Variant of Uncertain Significance.

NM_001363711.2(DUOX2):c.437G>A (p.Gly146Glu)

Gene: DUOX2 (dual oxidase 2; minus strand). Cytogenetic location: 15q21.1.
Variant type: single nucleotide variant.
Coding change: c.437G>A on transcript NM_001363711.2 (MANE Select); coding-DNA position 437, G replaced by A.
Protein change: p.Gly146Glu; replaces glycine 146 with glutamic acid.
Molecular consequence: missense variant.
Genome position (GRCh38, 1-based): chr15:45,111,844, C>T on the plus strand (G>A on the coding strand, the complement: DUOX2 is on the minus strand). VCF-style: chr15-45111844-C-T. GRCh37 (hg19) VCF-style: chr15-45404042-C-T.
Other names: c.437G>A, p.Gly146Glu (NM_014080.5); short protein forms G146E.
Identifiers: ClinVar variation 2728429 (VCV002728429.3), dbSNP rs139328759, ClinGen allele CA270134070.